The following is an entry in ClinVar:

ClinVar aggregate classification (germline): Likely benign. Review status: criteria provided, multiple submitters, no conflicts (2 of 4 stars). 3 submissions from 3 submitters: Likely benign (3). Last evaluated 2024-12-11.

Conditions:
Hereditary breast ovarian cancer syndrome. Also called: Hereditary breast and ovarian cancer syndrome; Hereditary breast and ovarian cancer; Breast and ovarian cancer; BRCA1- and BRCA2-Associated Hereditary Breast and Ovarian Cancer; Hereditary breast and/or ovarian cancer syndrome; Hereditary breast and ovarian cancer syndrome (HBOC). Identifiers: Orphanet 145, MedGen C0677776, MeSH D061325, MONDO:0003582. Disease mechanism: loss of function.

gnomAD v4.1: 2 of 1,600,494 alleles (0.00012%); highest among the groups gnomAD compares: Non-Finnish European, 0.00017%; no homozygotes.

Submissions (3):

Women's Health and Genetics/Laboratory Corporation of America, LabCorp
Classification: Likely benign. Last evaluated: 2024-12-11. Review status: criteria provided, single submitter. Criteria: LabCorp Variant Classification Summary - May 2015. Collection method: clinical testing. Allele origin: germline.

Labcorp Genetics (formerly Invitae), Labcorp
Classification: Likely benign for Hereditary breast ovarian cancer syndrome. Last evaluated: 2023-04-08. Review status: criteria provided, single submitter. Criteria: Invitae Variant Classification Sherloc (09022015). Collection method: clinical testing. Allele origin: germline.

GeneDx
Classification: Likely benign. Last evaluated: 2016-01-05. Review status: criteria provided, single submitter. Criteria: GeneDx Variant Classification (06012015). Collection method: clinical testing. Allele origin: germline. Affected: yes.
Comment: This variant is considered likely benign or benign based on one or more of the following criteria: it is a conservative change, it occurs at a poorly conserved position in the protein, it is predicted to be benign by multiple in silico algorithms, and/or has population frequency not consistent with disease.

NM_000059.4(BRCA2):c.8331+16C>T

Gene: BRCA2 (BRCA2 DNA repair associated; plus strand). Cytogenetic location: 13q13.1.
Variant type: single nucleotide variant.
Coding change: c.8331+16C>T on transcript NM_000059.4 (MANE Select); 16 bases into the intron after coding-DNA position 8331, C replaced by T.
Molecular consequence: intron variant.
Genome position (GRCh38, 1-based): chr13:32,363,549, C>T. VCF-style: chr13-32363549-C-T. GRCh37 (hg19) VCF-style: chr13-32937686-C-T.
Identifiers: ClinVar variation 382947 (VCV000382947.13), dbSNP rs730881595, ClinGen allele CA16606444.
Genomic context (GRCh38, chr13:32,363,549, plus strand): 5'-GATGCCTGTACACCTCTTGAAGCCCCAGAATCTCTTATGTTAAAGGTAAATTAATTTGCA[C>T]TCTTGGTAAAAATCAGTCATTGATTCAGTTAAATTCTAGAAGTTTTACATTTAAATTTTA-3'